The following is an entry in ClinVar:

ClinVar aggregate classification (germline): Uncertain significance. Review status: criteria provided, multiple submitters, no conflicts (2 of 4 stars). 2 submissions from 2 submitters: Uncertain significance (2). Last evaluated 2023-09-19.

Conditions:
Inborn genetic diseases. Identifiers: MedGen C0950123, MeSH D030342.

Allele frequency attached by ClinVar (database versions not stated): ExAC 0.00001; gnomAD exomes 0.00002; gnomAD 0.00003 and 0.00004; TOPMed 0.00003.
gnomAD v4.1: 109 of 1,613,926 alleles (0.0068%); highest among the groups gnomAD compares: Non-Finnish European, 0.0088%; no homozygotes.

Submissions (2):

Labcorp Genetics (formerly Invitae), Labcorp
Classification: Uncertain significance. Last evaluated: 2023-09-19. Review status: criteria provided, single submitter. Criteria: Invitae Variant Classification Sherloc (09022015). Collection method: clinical testing. Allele origin: germline.
Comment: In summary, the available evidence is currently insufficient to determine the role of this variant in disease. Therefore, it has been classified as a Variant of Uncertain Significance. Advanced modeling of protein sequence and biophysical properties (such as structural, functional, and spatial information, amino acid conservation, physicochemical variation, residue mobility, and thermodynamic stability) performed at Invitae indicates that this missense variant is not expected to disrupt CEACAM16 protein function. ClinVar contains an entry for this variant (Variation ID: 985991). This variant has not been reported in the literature in individuals affected with CEACAM16-related conditions. This variant is present in population databases (rs745709578, gnomAD 0.004%). This sequence change replaces serine, which is neutral and polar, with arginine, which is basic and polar, at codon 281 of the CEACAM16 protein (p.Ser281Arg).

Ambry Genetics
Classification: Uncertain significance for Inborn genetic diseases. Last evaluated: 2018-01-02. Review status: criteria provided, single submitter. Criteria: Ambry exome assertion method (8-5-2015). Collection method: clinical testing. Allele origin: germline. Affected: yes. Observed: 1 variant allele.

NM_001039213.4(CEACAM16):c.843C>A (p.Ser281Arg)

Genes: CEACAM16-AS1 (CEACAM16, CEACAM19 and PVR antisense RNA 1; minus strand), CEACAM16 (CEA cell adhesion molecule 16, tectorial membrane component; plus strand). Cytogenetic location: 19q13.32.
Variant type: single nucleotide variant.
Coding change: c.843C>A on transcript NM_001039213.4 (MANE Select); coding-DNA position 843, C replaced by A.
Protein change: p.Ser281Arg; replaces serine 281 with arginine.
Molecular consequence: missense variant.
Genome position (GRCh38, 1-based): chr19:44,705,771, C>A. VCF-style: chr19-44705771-C-A. GRCh37 (hg19) VCF-style: chr19-45209041-C-A.
Other names: short protein forms S281R.
Identifiers: ClinVar variation 985991 (VCV000985991.6), dbSNP rs745709578, ClinGen allele CA9503157.
Genomic context (GRCh38, chr19:44,705,771, plus strand): 5'-GTATGTGTGGACCTTCAACGGGCAGGCCCTAAAGAACGGCCAAGACCACCTCAACATCAG[C>A]AGCATGACAGCCGCCCAGGAGGGGACGTACACATGTATTGCGAAGAACACCAAGACCCTG-3'
Protein context (NP_001034302.2, residues 271-291): LKNGQDHLNI[Ser281Arg]SMTAAQEGTY